The following is an entry in ClinVar:

ClinVar aggregate classification (germline): Uncertain significance (1 of 4 stars; one submission).

Conditions:
Hereditary pancreatitis (PCTT). Also called: Hereditary chronic pancreatitis; PRSS1-Related Hereditary Pancreatitis. Identifiers: Orphanet 676, MedGen C0238339, MONDO:0008185, OMIM 167800.

Submission:

Ambry Genetics
Classification: Uncertain significance for Hereditary pancreatitis. Last evaluated: 2022-03-29. Review status: criteria provided, single submitter. Criteria: Ambry Variant Classification Scheme 2023. Collection method: clinical testing. Allele origin: germline.
Comment: The p.T164S variant (also known as c.490A>T), located in coding exon 5 of the CPA1 gene, results from an A to T substitution at nucleotide position 490. The threonine at codon 164 is replaced by serine, an amino acid with similar properties. This amino acid position is conserved. In addition, this alteration is predicted to be tolerated by in silico analysis. Since supporting evidence is limited at this time, the clinical significance of this alteration remains unclear.

NM_001868.4(CPA1):c.490A>T (p.Thr164Ser)

Gene: CPA1 (carboxypeptidase A1; plus strand). Cytogenetic location: 7q32.2.
Variant type: single nucleotide variant.
Coding change: c.490A>T on transcript NM_001868.4 (MANE Select); coding-DNA position 490, A replaced by T.
Protein change: p.Thr164Ser; replaces threonine 164 with serine.
Molecular consequence: missense variant.
Genome position (GRCh38, 1-based): chr7:130,383,397, A>T. VCF-style: chr7-130383397-A-T. GRCh37 (hg19) VCF-style: chr7-130023238-A-T.
Other names: short protein forms T164S.
Identifiers: ClinVar variation 1744025 (VCV001744025.2), dbSNP rs2536008017, ClinGen allele CA369282117.